The following is an entry in ClinVar:

ClinVar aggregate classification (germline): Pathogenic. Review status: criteria provided, multiple submitters, no conflicts (2 of 4 stars). 35 submissions from 34 submitters: Pathogenic (26). 9 of the submissions do not count toward it. Last evaluated 2026-08-07.

Conditions:
FGFR3-related chondrodysplasia. Identifiers: Orphanet 93420, MedGen C5681604, MONDO:0019685.
FGFR3-related disorder. Also called: FGFR3-related disorders.
Connective tissue disorder. Also called: Connective tissue disease. Identifiers: MedGen C0009782, MONDO:0003900.
Achondroplasia (ACH). Also called: Achondroplastic dwarfism. Identifiers: Orphanet 15, MedGen C0001080, MONDO:0007037, OMIM 100800. Disease mechanism: gain of function.
Malignant tumor of testis. Also called: Testicular cancer. Identifiers: MedGen C0153594, MONDO:0005447.
Severe achondroplasia-developmental delay-acanthosis nigricans syndrome. Also called: Severe achondroplasia with developmental delay and acanthosis nigricans; SADDAN dysplasia. Identifiers: Orphanet 85165, MedGen C2674173, MONDO:0014658, OMIM 616482.
Malignant tumor of urinary bladder. Also called: Bladder cancer; Urinary Bladder Neoplasms; Urinary bladder cancer. Identifiers: MedGen C0005684, MONDO:0001187, OMIM 109800.
Hypochondroplasia (HCH). Identifiers: Orphanet 429, MedGen C0410529, MONDO:0007793, OMIM 146000. Disease mechanism: gain of function.
Muenke syndrome (MNKES). Also called: MUENKE NONSYNDROMIC CORONAL CRANIOSYNOSTOSIS. Identifiers: Orphanet 53271, MedGen C1864436, MONDO:0011274, OMIM 602849.
Crouzon syndrome-acanthosis nigricans syndrome. Also called: CROUZONODERMOSKELETAL SYNDROME. Identifiers: Orphanet 93262, MedGen C2677099, MONDO:0012833, OMIM 612247.
Carcinoma of colon (CRC). Also called: Colonic carcinoma; Colon carcinoma. Identifiers: MedGen C0699790, MONDO:0002032.
Epidermal nevus. Also called: NEVUS, KERATINOCYTIC, NONEPIDERMOLYTIC; Nevus, epidermal, somatic. Identifiers: Orphanet 79414, MedGen C0334082, MONDO:0008093, OMIM 162900, HP:0010816.
Thanatophoric dysplasia type 1 (TD1). Also called: PLATYSPONDYLIC LETHAL SKELETAL DYSPLASIA, SAN DIEGO TYPE; Thanatophoric Dysplasia Type 1 (TD Type 1); LETHAL SHORT-LIMBED PLATYSPONDYLIC DWARFISM, SAN DIEGO TYPE. Identifiers: Orphanet 1860, Orphanet 2655, MedGen C1868678, MONDO:0008546, OMIM 187600. Disease mechanism: gain of function.
Thanatophoric dysplasia, type 2 (TD2). Also called: CLOVERLEAF SKULL WITH THANATOPHORIC DWARFISM; Thanatophoric Dysplasia Type 2 (TD Type 2); THANATOPHORIC DYSPLASIA WITH KLEEBLATTSCHAEDEL; THANATOPHORIC DYSPLASIA WITH STRAIGHT FEMURS AND CLOVERLEAF SKULL. Identifiers: Orphanet 2655, Orphanet 93274, MedGen C1300257, MONDO:0008547, OMIM 187601. Disease mechanism: gain of function.
Levy-Hollister syndrome (LADD). Also called: LADD syndrome. Identifiers: Orphanet 2363, MedGen C0265269, MONDO:0007872.
Cervical cancer. Also called: Cervical cancer, somatic; Cervix cancer; Cancer of cervix. Identifiers: MedGen C4048328, MONDO:0002974, OMIM 603956, HP:0030079.
Camptodactyly-tall stature-scoliosis-hearing loss syndrome. Also called: CATSHL SYNDROME. Identifiers: Orphanet 85164, MedGen C1864852, MONDO:0012504, OMIM 610474.
Inborn genetic diseases. Identifiers: MedGen C0950123, MeSH D030342.
Larsen syndrome (LRS). Also called: Larsen syndrome (FLNB-LS); Bilateral dislocation of the knees, pes cavus, cylindrically shaped fingers and characteristic facies. Identifiers: Orphanet 503, MedGen C0175778, MONDO:0007875, OMIM 150250. Disease mechanism: loss of function.
Short stature. Identifiers: MedGen C0349588, HP:0004322.

gnomAD v4.1: 2 of 1,613,230 alleles (0.00012%); highest among the groups gnomAD compares: Non-Finnish European, 0.000085%; no homozygotes.

Submissions 1 to 7 of 35:

Kasturba Medical College, Manipal, Kasturba Medical College, Manipal, Manipal Academy of Higher Education, Manipal, India
Classification: Pathogenic for Hypochondroplasia. Last evaluated: 2026-08-07. Review status: criteria provided, single submitter. Criteria: ACMG Guidelines, 2015. Collection method: clinical testing. Allele origin: germline. Inheritance: Autosomal dominant inheritance. Affected: yes.
Comment: This variant has been reported in two individuals in a heterozygous state in gnomAD (v4.1.0) population database and is absent in homozygous state. This variant is absent in heterozygous and/ or homozygous state in our in-house database of 4376 exomes. In-silico analysis tools (CADD_phred, and REVEL) predict the variant as disease-causing and likely to affect the FGFR3 function. Functional studies have demonstrated that this variant leads to increased FGFR3 signaling, consistent with a disease-causing gain-of-function mechanism (Krejci et al., 2008).

Genomenon, Inc
Classification: Pathogenic for FGFR3-related chondrodysplasia. Last evaluated: 2026-06-23. Review status: criteria provided, single submitter. Criteria: Genomenon Sequence Variant Interpretation Standards - Updated. Collection method: curation. Allele origin: germline. Affected: yes.
Comment: FGFR3 p.Asn540Lys (c.1620C>G) is a missense variant that changes the amino acid at codon 540 from Asparagine to Lysine. This variant has been observed in multiple probands with an FGFR3-related disorder (PMID:8589686;8702125;29150894;10395236;35726512;25614871). The variant was found to segregate with disease in at least one affected family (PMID:8589686;8702125;29150894;10395236). A de novo occurrence of this variant has been observed in at least one affected individual (PMID:10395236;35726512). At least one functional study has demonstrated a substantial alteration in protein function relative to the wild-type (PMID:33368972;26992226;19088846). This variant is located in a mutational hotspot and/or important functional domain. It is absent or not present at a significant frequency in gnomAD. In silico models predict that this variant is possibly or probably damaging. In conclusion, we classify FGFR3 p.Asn540Lys (c.1620C>G) as a pathogenic variant.

Labcorp Genetics (formerly Invitae), Labcorp
Classification: Pathogenic. Last evaluated: 2025-12-20. Review status: criteria provided, single submitter. Criteria: Invitae Variant Classification Sherloc (09022015). Collection method: clinical testing. Allele origin: germline.
Comment: This sequence change replaces asparagine, which is neutral and polar, with lysine, which is basic and polar, at codon 540 of the FGFR3 protein (p.Asn540Lys). This variant is not present in population databases (gnomAD no frequency). This missense change has been observed in individuals with hypochondroplasia or achondroplasia (PMID: 7670477, 8589686, 9452043, 10360392, 11055896, 11754059, 23149434, 23165795, 25614871). ClinVar contains an entry for this variant (Variation ID: 16338). Invitae Evidence Modeling incorporating data from in vitro experimental studies (internal data) indicates that this missense variant is expected to disrupt FGFR3 function with a positive predictive value of 95%. Experimental studies have shown that this missense change affects FGFR3 function (PMID: 19088846). For these reasons, this variant has been classified as Pathogenic.

3billion
Classification: Pathogenic for Achondroplasia. Last evaluated: 2025-12-08. Review status: criteria provided, single submitter. Criteria: ACMG Guidelines, 2015. Collection method: clinical testing. Allele origin: germline. Affected: yes.
Comment: The variant is observed at an extremely low frequency in the gnomAD v4.1.0 dataset (total allele frequency: <0.001%). Predicted Consequence/Location: Missense variant. Missense changes are a common disease-causing mechanism. In silico tool predictions suggest damaging effect of the variant on gene or gene product [REVEL: 0.69 (>=0.6, sensitivity 0.68 and specificity 0.92); 3Cnet: 0.99 (> 0.75, sensitivity 0.96 and precision 0.92)]. The same nucleotide change resulting in the same amino acid change has been previously reported as pathogenic/likely pathogenic with strong evidence (ClinVar ID: VCV000016338 /PMID: 8589686 /3billion dataset). The variant has been observed in at least two similarly affected unrelated individuals (PMID: 25614871). Different missense changes at the same codon (p.Asn540Asp, p.Asn540His, p.Asn540Ser, p.Asn540Thr) have been reported as pathogenic/likely pathogenic with strong evidence (ClinVar ID: VCV000016344, VCV000016349, VCV000374828, VCV001325830 /PMID: 10777366, 39498320, 9452043 /3billion dataset). Therefore, this variant is classified as Pathogenic according to the recommendation of ACMG/AMP guideline.

Dasa
Classification: Pathogenic for Hypochondroplasia. Last evaluated: 2025-12-06. Review status: criteria provided, single submitter. Criteria: DASA Assertion Criteria. Collection method: clinical testing. Allele origin: germline. Observed: 1 variant allele.
Comment: NM_000142.5(FGFR3):c.1620C>G (p.Asn540Lys) introduces an asparagine-to-lysine substitution known to cause constitutive receptor activation. Functional studies support a pathogenic gain-of-function mechanism, and this variant is recurrently observed in individuals with achondroplasia and hypochondroplasia. Based on the available data, this variant is classified as Pathogenic.

CeGaT Center for Human Genetics Tuebingen
Classification: Pathogenic. Last evaluated: 2025-10-01. Review status: criteria provided, single submitter. Criteria: CeGaT Center For Human Genetics Tuebingen Variant Classification Criteria Version 2. Collection method: clinical testing. Allele origin: germline. Affected: yes. Observed: 5 variant alleles.
Comment: FGFR3: PS2:Very Strong, PS1, PM1, PM2, PM5, PS4:Moderate, PP3

PreventionGenetics, part of Exact Sciences
Classification: Pathogenic for FGFR3-related condition. Last evaluated: 2025-08-22. Review status: criteria provided, single submitter. Criteria: ACMG Guidelines, 2015. Collection method: clinical testing. Allele origin: germline.
Comment: The FGFR3 c.1620C>G variant is predicted to result in the amino acid substitution p.Asn540Lys. This variant has been reported to be the most common cause of hypochondroplasia (Bellus et al. 1995. PubMed ID: 7670477; Prinos et al. 1995. PubMed ID: 8589686). Additionally, functional studies support its pathogenicity (Raffioni et al. 1998. PubMed ID: 9857065). This variant has not been reported in a large population database (gnomAD), indicating it is rare. This variant is interpreted as pathogenic.

NM_000142.5(FGFR3):c.1620C>G (p.Asn540Lys)

Gene: FGFR3 (fibroblast growth factor receptor 3; plus strand). Cytogenetic location: 4p16.3.
Variant type: single nucleotide variant.
Coding change: c.1620C>G on transcript NM_000142.5 (MANE Select); coding-DNA position 1620, C replaced by G.
Protein change: p.Asn540Lys; replaces asparagine 540 with lysine.
Molecular consequence: missense variant. On other transcripts: non-coding transcript variant (1).
Genome position (GRCh38, 1-based): chr4:1,805,644, C>G. VCF-style: chr4-1805644-C-G. GRCh37 (hg19) VCF-style: chr4-1807371-C-G.
Other names: FGFR3, ASN540LYS, 1620C-G; c.1626C>G, p.Asn542Lys (NM_001163213.2); c.1623C>G, p.Asn541Lys (NM_001354809.2, NM_001354810.2); c.1284C>G, p.Asn428Lys (NM_022965.4); short protein forms N540K, N542K, N541K, N428K.
Identifiers: ClinVar variation 16338 (VCV000016338.105), dbSNP rs28933068, ClinGen allele CA341412.
Genomic context (GRCh38, chr4:1,805,644, plus strand): 5'-GGACCTGGTGTCTGAGATGGAGATGATGAAGATGATCGGGAAACACAAAAACATCATCAA[C>G]CTGCTGGGCGCCTGCACGCAGGGCGGTAGGTGCGGTAGCGGCGGTGGTGCCGGCTGGGCG-3'
Protein context (NP_000133.1, residues 530-550): KMIGKHKNII[Asn540Lys]LLGACTQGGP